The following is an entry in ClinVar:

NM_177402.5(SYT2):c.784G>A (p.Gly262Ser)

Gene: SYT2 (synaptotagmin 2; minus strand). Cytogenetic location: 1q32.1.
Variant type: single nucleotide variant.
Coding change: c.784G>A on transcript NM_177402.5 (MANE Select); coding-DNA position 784, G replaced by A.
Protein change: p.Gly262Ser; replaces glycine 262 with serine.
Molecular consequence: missense variant.
Genome position (GRCh38, 1-based): chr1:202,601,907, C>T on the plus strand (G>A on the coding strand, the complement: SYT2 is on the minus strand). VCF-style: chr1-202601907-C-T. GRCh37 (hg19) VCF-style: chr1-202571035-C-T.
Other names: c.784G>A, p.Gly262Ser (NM_001136504.1); short protein forms G262S.
Identifiers: ClinVar variation 2812830 (VCV002812830.3), dbSNP rs559392144, ClinGen allele CA35579727.

ClinVar aggregate classification (germline): Uncertain significance (1 of 4 stars; one submission).

Allele frequency attached by ClinVar (database versions not stated): gnomAD exomes below 0.00001; TOPMed 0.00001; gnomAD 0.00002.
gnomAD v4.1: 8 of 1,613,902 alleles (0.0005%); highest among the groups gnomAD compares: Non-Finnish European, 0.00068%; no homozygotes.

Submission:

Labcorp Genetics (formerly Invitae), Labcorp
Classification: Uncertain significance. Last evaluated: 2023-03-31. Review status: criteria provided, single submitter. Criteria: Invitae Variant Classification Sherloc (09022015). Collection method: clinical testing. Allele origin: germline.
Comment: In summary, the available evidence is currently insufficient to determine the role of this variant in disease. Therefore, it has been classified as a Variant of Uncertain Significance. Advanced modeling of protein sequence and biophysical properties (such as structural, functional, and spatial information, amino acid conservation, physicochemical variation, residue mobility, and thermodynamic stability) performed at Invitae indicates that this missense variant is not expected to disrupt SYT2 protein function. This variant has not been reported in the literature in individuals affected with SYT2-related conditions. This variant is present in population databases (rs559392144, gnomAD 0.0009%). This sequence change replaces glycine, which is neutral and non-polar, with serine, which is neutral and polar, at codon 262 of the SYT2 protein (p.Gly262Ser).